The following is an entry in ClinVar:

ClinVar aggregate classification (germline): Pathogenic (1 of 4 stars; one submission).

Submission:

Labcorp Genetics (formerly Invitae), Labcorp
Classification: Pathogenic. Last evaluated: 2025-05-13. Review status: criteria provided, single submitter. Criteria: Invitae Variant Classification Sherloc (09022015). Collection method: clinical testing. Allele origin: germline.
Comment: This sequence change creates a premature translational stop signal (p.His249Glnfs*2) in the GNPTG gene. It is expected to result in an absent or disrupted protein product. Loss-of-function variants in GNPTG are known to be pathogenic (PMID: 19370764, 20301784). This variant is not present in population databases (gnomAD no frequency). This variant has not been reported in the literature in individuals affected with GNPTG-related conditions. For these reasons, this variant has been classified as Pathogenic.

Literature cited by the submitters: PubMed 19370764; PubMed 20301784.

NM_032520.5(GNPTG):c.746dup (p.His249fs)

Gene: GNPTG (N-acetylglucosamine-1-phosphate transferase subunit gamma; plus strand). Cytogenetic location: 16p13.3.
Variant type: Duplication.
Coding change: c.746dup on transcript NM_032520.5 (MANE Select); coding-DNA position 746, one base duplicated (A; older notation c.746dupA).
Protein change: p.His249fs; shifts the reading frame from histidine 249.
Molecular consequence: frameshift variant.
Genome position (GRCh38, 1-based): chr16:1,362,829, A duplicated. VCF-style (leftmost placement, unchanged base first): chr16-1362828-C-CA. GRCh37 (hg19) VCF-style: chr16-1412829-C-CA.
Other names: short protein forms H249fs.
Identifiers: ClinVar variation 4719519 (VCV004719519.1).